The following is an entry in ClinVar:

ClinVar aggregate classification (germline): Uncertain significance (1 of 4 stars; one submission).

Conditions:
Inborn genetic diseases. Identifiers: MedGen C0950123, MeSH D030342.

Submission:

Ambry Genetics
Classification: Uncertain significance for Inborn genetic diseases. Last evaluated: 2026-06-26. Review status: criteria provided, single submitter. Criteria: Ambry Variant Classification Scheme 2023. Collection method: clinical testing. Allele origin: germline.
Comment: The p.H317D variant (also known as c.949C>G), located in coding exon 9 of the CEP57 gene, results from a C to G substitution at nucleotide position 949. The histidine at codon 317 is replaced by aspartic acid, an amino acid with similar properties. This amino acid position is conserved. In addition, this alteration is predicted to be deleterious by in silico analysis. Based on the available evidence, the clinical significance of this variant remains unclear.

NM_014679.5(CEP57):c.949C>G (p.His317Asp)

Gene: CEP57 (centrosomal protein 57; plus strand). Cytogenetic location: 11q21.
Variant type: single nucleotide variant.
Coding change: c.949C>G on transcript NM_014679.5 (MANE Select); coding-DNA position 949, C replaced by G.
Protein change: p.His317Asp; replaces histidine 317 with aspartic acid.
Molecular consequence: missense variant.
Genome position (GRCh38, 1-based): chr11:95,827,849, C>G. VCF-style: chr11-95827849-C-G. GRCh37 (hg19) VCF-style: chr11-95561013-C-G.
Other names: c.922C>G, p.His308Asp (NM_001243776.2); c.871C>G, p.His291Asp (NM_001243777.2); c.868C>G, p.His290Asp (NM_001363604.2, NM_001440869.1, NM_001440870.1); c.841C>G, p.His281Asp (NM_001440871.1); c.832C>G, p.His278Asp (NM_001440872.1); c.769C>G, p.His257Asp (NM_001440873.1); c.763C>G, p.His255Asp (NM_001440874.1); c.760C>G, p.His254Asp (NM_001440875.1); and 6 more; short protein forms H251D, H252D, H291D, H308D, H216D, H242D, H254D, H290D.
Identifiers: ClinVar variation 5034362 (VCV005034362.1).